The following is an entry in ClinVar:

NM_007373.4(SHOC2):c.461G>A (p.Ser154Asn)

Gene: SHOC2 (SHOC2 leucine rich repeat scaffold protein; plus strand). Cytogenetic location: 10q25.2.
Variant type: single nucleotide variant.
Coding change: c.461G>A on transcript NM_007373.4 (MANE Select); coding-DNA position 461, G replaced by A.
Protein change: p.Ser154Asn; replaces serine 154 with asparagine.
Molecular consequence: missense variant.
Genome position (GRCh38, 1-based): chr10:110,964,819, G>A. VCF-style: chr10-110964819-G-A. GRCh37 (hg19) VCF-style: chr10-112724577-G-A.
Other names: c.461G>A, p.Ser154Asn (NM_001269039.3, NM_001324336.2, NM_001324337.2); short protein forms S154N.
Identifiers: ClinVar variation 3707461 (VCV003707461.3).
Genomic context (GRCh38, chr10:110,964,819, plus strand): 5'-AATTGCAGTCCCTCCCAGCAGAGGTGGGATGTTTAGTAAATCTCATGACACTGGCTCTAA[G>A]TGAAAATTCACTTACCAGTTTGCCTGACTCTCTTGATAACTTGAAGAAGCTGCGGATGCT-3'
Protein context (NP_031399.2, residues 144-164): CLVNLMTLAL[Ser154Asn]ENSLTSLPDS

ClinVar aggregate classification (germline): Uncertain significance. Review status: criteria provided, multiple submitters, no conflicts (2 of 4 stars). 2 submissions from 2 submitters: Uncertain significance (2). Last evaluated 2025-08-20.

Conditions:
RASopathy. Also called: rasopathies; Noonan spectrum disorder. Identifiers: Orphanet 536391, MedGen C5555857, MONDO:0021060.
Cardiovascular phenotype. Identifiers: MedGen CN230736.

Submissions (2):

Ambry Genetics
Classification: Uncertain significance for Cardiovascular phenotype. Last evaluated: 2025-08-20. Review status: criteria provided, single submitter. Criteria: Ambry Variant Classification Scheme 2023. Collection method: clinical testing. Allele origin: germline.
Comment: The p.S154N variant (also known as c.461G>A), located in coding exon 1 of the SHOC2 gene, results from a G to A substitution at nucleotide position 461. The serine at codon 154 is replaced by asparagine, an amino acid with highly similar properties. This amino acid position is conserved. In addition, this alteration is predicted to be tolerated by in silico analysis. Based on the available evidence, the clinical significance of this variant remains unclear.

Labcorp Genetics (formerly Invitae), Labcorp
Classification: Uncertain significance for RASopathy. Last evaluated: 2024-09-12. Review status: criteria provided, single submitter. Criteria: Invitae Variant Classification Sherloc (09022015). Collection method: clinical testing. Allele origin: germline.
Comment: This sequence change replaces serine, which is neutral and polar, with asparagine, which is neutral and polar, at codon 154 of the SHOC2 protein (p.Ser154Asn). This variant is not present in population databases (gnomAD no frequency). This variant has not been reported in the literature in individuals affected with SHOC2-related conditions. Invitae Evidence Modeling of protein sequence and biophysical properties (such as structural, functional, and spatial information, amino acid conservation, physicochemical variation, residue mobility, and thermodynamic stability) indicates that this missense variant is not expected to disrupt SHOC2 protein function with a negative predictive value of 80%. In summary, the available evidence is currently insufficient to determine the role of this variant in disease. Therefore, it has been classified as a Variant of Uncertain Significance.